The following is an entry in ClinVar:

NM_021076.4(NEFH):c.2185G>A (p.Glu729Lys)

Gene: NEFH (neurofilament heavy chain; plus strand). Cytogenetic location: 22q12.2.
Variant type: single nucleotide variant.
Coding change: c.2185G>A on transcript NM_021076.4 (MANE Select); coding-DNA position 2185, G replaced by A.
Protein change: p.Glu729Lys; replaces glutamic acid 729 with lysine.
Molecular consequence: missense variant.
Genome position (GRCh38, 1-based): chr22:29,489,825, G>A. VCF-style: chr22-29489825-G-A. GRCh37 (hg19) VCF-style: chr22-29885814-G-A.
Other names: c.2185G>A (NM_021076.3); short protein forms E729K.
Identifiers: ClinVar variation 1916971 (VCV001916971.7), dbSNP rs1469567566, ClinGen allele CA411136347.

ClinVar aggregate classification (germline): Conflicting classifications of pathogenicity. Review status: criteria provided, conflicting classifications (1 of 4 stars). 3 submissions from 3 submitters: Uncertain significance (1); Likely benign (1). 1 of the submissions does not count toward it. Last evaluated 2025-03-15.

Conditions:
NEFH-related disorder. Also called: NEFH-related condition.
Inborn genetic diseases. Identifiers: MedGen C0950123, MeSH D030342.

Allele frequency attached by ClinVar (database versions not stated): gnomAD exomes below 0.00001; gnomAD 0.00001; TOPMed 0.00002.
gnomAD v4.1: 4 of 1,611,202 alleles (0.00025%); highest among the groups gnomAD compares: East Asian, 0.009%; no homozygotes.

Submissions (3):

Labcorp Genetics (formerly Invitae), Labcorp
Classification: Uncertain significance. Last evaluated: 2025-03-15. Review status: criteria provided, single submitter. Criteria: Invitae Variant Classification Sherloc (09022015). Collection method: clinical testing. Allele origin: germline.
Comment: This sequence change replaces glutamic acid, which is acidic and polar, with lysine, which is basic and polar, at codon 729 of the NEFH protein (p.Glu729Lys). This variant is present in population databases (no rsID available, gnomAD 0.03%). This variant has not been reported in the literature in individuals affected with NEFH-related conditions. ClinVar contains an entry for this variant (Variation ID: 1916971). Invitae Evidence Modeling of protein sequence and biophysical properties (such as structural, functional, and spatial information, amino acid conservation, physicochemical variation, residue mobility, and thermodynamic stability) indicates that this missense variant is not expected to disrupt NEFH protein function with a negative predictive value of 95%. In summary, the available evidence is currently insufficient to determine the role of this variant in disease. Therefore, it has been classified as a Variant of Uncertain Significance.

Ambry Genetics
Classification: Likely benign for Inborn genetic diseases. Last evaluated: 2024-07-05. Review status: criteria provided, single submitter. Criteria: Ambry Variant Classification Scheme 2023. Collection method: clinical testing. Allele origin: germline.

PreventionGenetics, part of Exact Sciences
Classification: Uncertain significance for NEFH-related condition. Last evaluated: 2023-11-16. Review status: no assertion criteria provided. Collection method: clinical testing. Allele origin: germline. Not counted in ClinVar's aggregate classification.
Comment: The NEFH c.2185G>A variant is predicted to result in the amino acid substitution p.Glu729Lys. To our knowledge, this variant has not been reported in the literature. This variant is reported in 0.030% of alleles in individuals of East Asian descent in gnomAD. At this time, the clinical significance of this variant is uncertain due to the absence of conclusive functional and genetic evidence.